The following is an entry in ClinVar:

ClinVar aggregate classification (germline): Uncertain significance (1 of 4 stars; one submission).

Allele frequency attached by ClinVar (database versions not stated): gnomAD 0.00007 and 0.00009; TOPMed 0.00007; gnomAD exomes 0.00011; ExAC 0.00012; 1000 Genomes Project 0.00060; 1000 Genomes Project 30x 0.00062.
gnomAD v4.1: 152 of 1,614,182 alleles (0.0094%); highest among the groups gnomAD compares: East Asian, 0.038%; 1 homozygote.

Submission:

Labcorp Genetics (formerly Invitae), Labcorp
Classification: Uncertain significance. Last evaluated: 2025-12-19. Review status: criteria provided, single submitter. Criteria: Invitae Variant Classification Sherloc (09022015). Collection method: clinical testing. Allele origin: germline.
Comment: This sequence change replaces valine, which is neutral and non-polar, with isoleucine, which is neutral and non-polar, at codon 75 of the NCSTN protein (p.Val75Ile). This variant is present in population databases (rs12045198, gnomAD 0.06%), and has an allele count higher than expected for a pathogenic variant. This missense change has been observed in individual(s) with acne inversa (PMID: 22759192). ClinVar contains an entry for this variant (Variation ID: 1364198). Invitae Evidence Modeling of protein sequence and biophysical properties (such as structural, functional, and spatial information, amino acid conservation, physicochemical variation, residue mobility, and thermodynamic stability) indicates that this missense variant is not expected to disrupt NCSTN protein function with a negative predictive value of 80%. Experimental studies have shown that this missense change does not substantially affect NCSTN function (PMID: 25211177). In summary, the available evidence is currently insufficient to determine the role of this variant in disease. Therefore, it has been classified as a Variant of Uncertain Significance.

Literature cited by the submitters: PubMed 22759192; PubMed 25211177.

NM_015331.3(NCSTN):c.223G>A (p.Val75Ile)

Gene: NCSTN (nicastrin; plus strand). Cytogenetic location: 1q23.2.
Variant type: single nucleotide variant.
Coding change: c.223G>A on transcript NM_015331.3 (MANE Select); coding-DNA position 223, G replaced by A.
Protein change: p.Val75Ile; replaces valine 75 with isoleucine.
Molecular consequence: missense variant.
Genome position (GRCh38, 1-based): chr1:160,349,031, G>A. VCF-style: chr1-160349031-G-A. GRCh37 (hg19) VCF-style: chr1-160318821-G-A.
Other names: c.163G>A, p.Val55Ile (NM_001290184.2); c.223G>A, p.Val75Ile (NM_001290186.2, NM_001349729.2); short protein forms V75I, V55I.
Identifiers: ClinVar variation 1364198 (VCV001364198.6), dbSNP rs12045198, ClinGen allele CA1198641.